The following is an entry in ClinVar:

ClinVar aggregate classification (germline): Benign/Likely benign. Review status: criteria provided, multiple submitters, no conflicts (2 of 4 stars). 2 submissions from 2 submitters: Benign (1); Likely benign (1). Last evaluated 2025-03-11.

Conditions:
Hereditary cancer-predisposing syndrome. Also called: Tumor predisposition; Hereditary Cancer Syndrome; Hereditary neoplastic syndrome; Neoplastic Syndromes, Hereditary. Identifiers: Orphanet 140162, MedGen C0027672, MeSH D009386, MONDO:0015356.
Pheochromocytoma/paraganglioma syndrome 5. Also called: Paragangliomas 5; SDHA-Related Hereditary Paraganglioma-Pheochromocytoma Syndrome. Identifiers: Orphanet 29072, MedGen C3279992, MONDO:0013602, OMIM 614165.

Submissions (2):

Myriad Genetics, Inc.
Classification: Benign for Pheochromocytoma/paraganglioma syndrome 5. Last evaluated: 2025-03-11. Review status: criteria provided, single submitter. Criteria: Myriad Autosomal Dominant, Autosomal Recessive and X-Linked Classification Criteria (2023). Collection method: clinical testing. Allele origin: unknown.
Comment: This variant is considered benign. This variant is a silent/synonymous amino acid change and it is not expected to impact splicing.

Ambry Genetics
Classification: Likely benign for Hereditary cancer-predisposing syndrome. Last evaluated: 2020-09-16. Review status: criteria provided, single submitter. Criteria: Ambry Variant Classification Scheme 2023. Collection method: clinical testing. Allele origin: germline.

NM_004168.4(SDHA):c.1711C>T (p.Leu571=)

Gene: SDHA (succinate dehydrogenase complex flavoprotein subunit A; plus strand). Cytogenetic location: 5p15.33.
Variant type: single nucleotide variant.
Coding change: c.1711C>T on transcript NM_004168.4 (MANE Select); coding-DNA position 1711, C replaced by T.
Protein change: p.Leu571=; no amino-acid change (leucine 571 retained).
Molecular consequence: synonymous variant. On other transcripts: intron variant (1).
Genome position (GRCh38, 1-based): chr5:251,385, C>T. VCF-style: chr5-251385-C-T. GRCh37 (hg19) VCF-style: chr5-251500-C-T.
Other names: c.1567C>T, p.Leu523= (NM_001294332.2); c.1552-3008C>T (NM_001330758.2).
Identifiers: ClinVar variation 1778571 (VCV001778571.3), dbSNP rs1377424433, ClinGen allele CA442657651.